The following is an entry in ClinVar:

ClinVar aggregate classification (germline): Pathogenic (1 of 4 stars; one submission).

Submission:

Labcorp Genetics (formerly Invitae), Labcorp
Classification: Pathogenic. Last evaluated: 2024-12-07. Review status: criteria provided, single submitter. Criteria: Invitae Variant Classification Sherloc (09022015). Collection method: clinical testing. Allele origin: germline.
Comment: This sequence change creates a premature translational stop signal (p.Lys1013*) in the CACNA1B gene. It is expected to result in an absent or disrupted protein product. Loss-of-function variants in CACNA1B are known to be pathogenic (PMID: 30982612). This variant is not present in population databases (gnomAD no frequency). This variant has not been reported in the literature in individuals affected with CACNA1B-related conditions. For these reasons, this variant has been classified as Pathogenic.

Literature cited by the submitters: PubMed 30982612.

NM_000718.4(CACNA1B):c.3037A>T (p.Lys1013Ter)

Gene: CACNA1B (calcium voltage-gated channel subunit alpha1 B; plus strand). Cytogenetic location: 9q34.3.
Variant type: single nucleotide variant.
Coding change: c.3037A>T on transcript NM_000718.4 (MANE Select); coding-DNA position 3037, A replaced by T.
Protein change: p.Lys1013Ter; replaces lysine 1013 with a stop codon.
Molecular consequence: nonsense.
Genome position (GRCh38, 1-based): chr9:138,023,780, A>T. VCF-style: chr9-138023780-A-T. GRCh37 (hg19) VCF-style: chr9-140918232-A-T.
Other names: c.3037A>T, p.Lys1013Ter (NM_001243812.2); short protein forms K1013*.
Identifiers: ClinVar variation 3726762 (VCV003726762.2).